The following is an entry in ClinVar:

NM_003742.4(ABCB11):c.1268A>G (p.His423Arg)

Gene: ABCB11 (ATP binding cassette subfamily B member 11; minus strand). Cytogenetic location: 2q31.1.
Variant type: single nucleotide variant.
Coding change: c.1268A>G on transcript NM_003742.4 (MANE Select); coding-DNA position 1268, A replaced by G.
Protein change: p.His423Arg; replaces histidine 423 with arginine.
Molecular consequence: missense variant.
Genome position (GRCh38, 1-based): chr2:168,976,617, T>C on the plus strand (A>G on the coding strand, the complement: ABCB11 is on the minus strand). VCF-style: chr2-168976617-T-C. GRCh37 (hg19) VCF-style: chr2-169833127-T-C.
Other names: short protein forms H423R.
Identifiers: ClinVar variation 2054115 (VCV002054115.5), dbSNP rs147522210, ClinGen allele CA1951638.

ClinVar aggregate classification (germline): Conflicting classifications of pathogenicity. Review status: criteria provided, conflicting classifications (1 of 4 stars). 2 submissions from 2 submitters: Uncertain significance (1); Likely benign (1). Last evaluated 2026-04-14.

Conditions:
Familial intrahepatic cholestasis. Identifiers: Orphanet 284385, MedGen CN296401, MONDO:0017290.

Allele frequency attached by ClinVar (database versions not stated): TOPMed 0.00006; ESP Exome Variant Server 0.00008; gnomAD 0.00013; gnomAD exomes 0.00015; 1000 Genomes Project 30x 0.00016; ExAC 0.00017; 1000 Genomes Project 0.00020.
gnomAD v4.1: 231 of 1,609,426 alleles (0.014%); highest among the groups gnomAD compares: Non-Finnish European, 0.017%; no homozygotes.

Submissions (2):

Genomenon, Inc
Classification: Uncertain significance for Familial intrahepatic cholestasis. Last evaluated: 2026-04-14. Review status: criteria provided, single submitter. Criteria: Genomenon Sequence Variant Interpretation Standards - Updated. Collection method: curation. Allele origin: germline. Affected: no.
Comment: ABCB11 p.His423Arg (c.1268A>G) is a missense variant that changes the amino acid at residue 423 from Histidine to Arginine. This variant has been reported in the published literature (PMID:29238877;28598581;22795478). It is absent or not present at a significant frequency in gnomAD. In conclusion, we classify ABCB11 p.His423Arg (c.1268A>G) as a variant of uncertain significance.

Labcorp Genetics (formerly Invitae), Labcorp
Classification: Likely benign. Last evaluated: 2026-01-15. Review status: criteria provided, single submitter. Criteria: Invitae Variant Classification Sherloc (09022015). Collection method: clinical testing. Allele origin: germline.

Literature cited by the submitters: PubMed 29238877 (cited by Genomenon, Inc); PubMed 28598581 (cited by Genomenon, Inc); PubMed 22795478 (cited by Genomenon, Inc).